The following is an entry in ClinVar:

NM_206933.4(USH2A):c.2212A>G (p.Ser738Gly)

Gene: USH2A (usherin; minus strand). Cytogenetic location: 1q41.
Variant type: single nucleotide variant.
Coding change: c.2212A>G on transcript NM_206933.4 (MANE Select); coding-DNA position 2212, A replaced by G.
Protein change: p.Ser738Gly; replaces serine 738 with glycine.
Molecular consequence: missense variant.
Genome position (GRCh38, 1-based): chr1:216,247,182, T>C on the plus strand (A>G on the coding strand, the complement: USH2A is on the minus strand). VCF-style: chr1-216247182-T-C. GRCh37 (hg19) VCF-style: chr1-216420524-T-C.
Other names: c.2212A>G, p.Ser738Gly (NM_007123.6); short protein forms S738G.
Identifiers: ClinVar variation 4088130 (VCV004088130.2).

ClinVar aggregate classification (germline): Uncertain significance (1 of 4 stars; one submission).

gnomAD v4.1: 29 of 1,613,904 alleles (0.0018%); highest among the groups gnomAD compares: Non-Finnish European, 0.0024%; no homozygotes.

Submission:

GeneDx
Classification: Uncertain significance. Last evaluated: 2025-12-06. Review status: criteria provided, single submitter. Criteria: GeneDx Variant Classification Process June 2021. Collection method: clinical testing. Allele origin: germline.
Comment: Not observed at significant frequency in large population cohorts (gnomAD); In silico analysis suggests that this missense variant does not alter protein structure/function; Has not been previously published as pathogenic or benign to our knowledge